The following is an entry in ClinVar:

NM_000138.5(FBN1):c.702C>T (p.Gly234=)

Gene: FBN1 (fibrillin 1; minus strand). Cytogenetic location: 15q21.1.
Variant type: single nucleotide variant.
Coding change: c.702C>T on transcript NM_000138.5 (MANE Select); coding-DNA position 702, C replaced by T.
Protein change: p.Gly234=; no amino-acid change (glycine 234 retained).
Molecular consequence: synonymous variant.
Genome position (GRCh38, 1-based): chr15:48,537,645, G>A on the plus strand (C>T on the coding strand, the complement: FBN1 is on the minus strand). VCF-style: chr15-48537645-G-A. GRCh37 (hg19) VCF-style: chr15-48829842-G-A.
Other names: c.702C>T, p.Gly234= (NM_001406716.1, NM_001406717.1).
Identifiers: ClinVar variation 2951149 (VCV002951149.4), dbSNP rs2044024705, ClinGen allele CA490090016.

ClinVar aggregate classification (germline): Likely benign. Review status: criteria provided, multiple submitters, no conflicts (2 of 4 stars). 2 submissions from 2 submitters: Likely benign (2). Last evaluated 2024-09-03.

Conditions:
Marfan syndrome (MFS). Also called: MARFAN SYNDROME, TYPE I; Marfan syndrome type 1; Marfan's syndrome; Marfan syndrome, classic; FBN1-Related Marfan Syndrome. Identifiers: Orphanet 284963, Orphanet 558, MedGen C0024796, MONDO:0007947, OMIM 154700.
Familial thoracic aortic aneurysm and aortic dissection (TAAD). Also called: Thoracic aortic aneurysms and dissections. Identifiers: Orphanet 91387, MedGen C4707243, MONDO:0019625.

Submissions (2):

Women's Health and Genetics/Laboratory Corporation of America, LabCorp
Classification: Likely benign. Last evaluated: 2024-09-03. Review status: criteria provided, single submitter. Criteria: LabCorp Variant Classification Summary - May 2015. Collection method: clinical testing. Allele origin: germline.
Comment: Variant summary: FBN1 c.702C>T alters a non-conserved nucleotide resulting in a synonymous change. Consensus agreement among computation tools predict no significant impact on normal splicing. However, these predictions have yet to be confirmed by functional studies. The variant was absent in 251312 control chromosomes. The available data on variant occurrences in the general population are insufficient to allow any conclusion about variant significance. To our knowledge, no occurrence of c.702C>T in individuals affected with Aortopathy or other FBN1-related disorders and no experimental evidence demonstrating its impact on protein function have been reported. ClinVar contains an entry for this variant (Variation ID: 2951149). Based on the evidence outlined above, the variant was classified as likely benign.

Labcorp Genetics (formerly Invitae), Labcorp
Classification: Likely benign for Marfan syndrome; Familial thoracic aortic aneurysm and aortic dissection. Last evaluated: 2023-09-08. Review status: criteria provided, single submitter. Criteria: Invitae Variant Classification Sherloc (09022015). Collection method: clinical testing. Allele origin: germline.